The following is an entry in ClinVar:

ClinVar aggregate classification (germline): Uncertain significance. Review status: criteria provided, multiple submitters, no conflicts (2 of 4 stars). 2 submissions from 2 submitters: Uncertain significance (2). Last evaluated 2024-07-02.

Conditions:
Cardiovascular phenotype. Identifiers: MedGen CN230736.
Hypertrophic cardiomyopathy 14. Identifiers: MedGen C2750467, MONDO:0013197, OMIM 613251.

Allele frequency attached by ClinVar (database versions not stated): gnomAD exomes below 0.00001; ExAC 0.00001; gnomAD 0.00001.
gnomAD v4.1: 3 of 1,613,918 alleles (0.00019%); highest among the groups gnomAD compares: African/African-American, 0.0013%; no homozygotes.

Submissions (2):

Ambry Genetics
Classification: Uncertain significance for Cardiovascular phenotype. Last evaluated: 2024-07-02. Review status: criteria provided, single submitter. Criteria: Ambry Variant Classification Scheme 2023. Collection method: clinical testing. Allele origin: germline.

Labcorp Genetics (formerly Invitae), Labcorp
Classification: Uncertain significance for Hypertrophic cardiomyopathy 14. Last evaluated: 2022-06-20. Review status: criteria provided, single submitter. Criteria: Invitae Variant Classification Sherloc (09022015). Collection method: clinical testing. Allele origin: germline.
Comment: In summary, the available evidence is currently insufficient to determine the role of this variant in disease. Therefore, it has been classified as a Variant of Uncertain Significance. Algorithms developed to predict the effect of missense changes on protein structure and function are either unavailable or do not agree on the potential impact of this missense change (SIFT: "Tolerated"; PolyPhen-2: "Probably Damaging"; Align-GVGD: "Class C0"). This variant has not been reported in the literature in individuals affected with MYH6-related conditions. This variant is present in population databases (rs750433126, gnomAD 0.006%). This sequence change replaces proline, which is neutral and non-polar, with leucine, which is neutral and non-polar, at codon 296 of the MYH6 protein (p.Pro296Leu).

NM_002471.4(MYH6):c.887C>T (p.Pro296Leu)

Gene: MYH6 (myosin heavy chain 6; minus strand). Cytogenetic location: 14q11.2.
Variant type: single nucleotide variant.
Coding change: c.887C>T on transcript NM_002471.4 (MANE Select); coding-DNA position 887, C replaced by T.
Protein change: p.Pro296Leu; replaces proline 296 with leucine.
Molecular consequence: missense variant.
Genome position (GRCh38, 1-based): chr14:23,403,359, G>A on the plus strand (C>T on the coding strand, the complement: MYH6 is on the minus strand). VCF-style: chr14-23403359-G-A. GRCh37 (hg19) VCF-style: chr14-23872568-G-A.
Other names: short protein forms P296L.
Identifiers: ClinVar variation 2157377 (VCV002157377.5), dbSNP rs750433126, ClinGen allele CA7115995.